The following is an entry in ClinVar:

ClinVar aggregate classification (germline): Uncertain significance (1 of 4 stars; one submission).

Conditions:
Mendelian susceptibility to mycobacterial diseases due to complete IL12RB1 deficiency. Also called: IL12RB1 DEFICIENCY; Immunodeficiency 30. Identifiers: Orphanet 319552, MedGen C4013949, MONDO:0013955, OMIM 614891.

Allele frequency attached by ClinVar (database versions not stated): TOPMed 0.00001.

Submission:

Labcorp Genetics (formerly Invitae), Labcorp
Classification: Uncertain significance for Mendelian susceptibility to mycobacterial diseases due to complete IL12RB1 deficiency. Last evaluated: 2025-05-21. Review status: criteria provided, single submitter. Criteria: Invitae Variant Classification Sherloc (09022015). Collection method: clinical testing. Allele origin: germline.
Comment: This sequence change replaces tryptophan, which is neutral and slightly polar, with arginine, which is basic and polar, at codon 623 of the IL12RB1 protein (p.Trp623Arg). This variant is not present in population databases (gnomAD no frequency). This variant has not been reported in the literature in individuals affected with IL12RB1-related conditions. ClinVar contains an entry for this variant (Variation ID: 2721099). An algorithm developed to predict the effect of missense changes on protein structure and function outputs the following: PolyPhen-2: "Benign". The arginine amino acid residue is found in multiple mammalian species, which suggests that this missense change does not adversely affect protein function. In summary, the available evidence is currently insufficient to determine the role of this variant in disease. Therefore, it has been classified as a Variant of Uncertain Significance.

NM_005535.3(IL12RB1):c.1867T>C (p.Trp623Arg)

Gene: IL12RB1 (interleukin 12 receptor subunit beta 1; minus strand). Cytogenetic location: 19p13.11.
Variant type: single nucleotide variant.
Coding change: c.1867T>C on transcript NM_005535.3 (MANE Select); coding-DNA position 1867, T replaced by C.
Protein change: p.Trp623Arg; replaces tryptophan 623 with arginine.
Molecular consequence: missense variant.
Genome position (GRCh38, 1-based): chr19:18,060,010, A>G on the plus strand (T>C on the coding strand, the complement: IL12RB1 is on the minus strand). VCF-style: chr19-18060010-A-G. GRCh37 (hg19) VCF-style: chr19-18170820-A-G.
Other names: c.1867T>C, p.Trp623Arg (NM_001290023.2); c.1987T>C, p.Trp663Arg (NM_001290024.2); short protein forms W623R, W663R.
Identifiers: ClinVar variation 2721099 (VCV002721099.3), dbSNP rs2034009847, ClinGen allele CA404775270.